The following is an entry in ClinVar:

ClinVar aggregate classification (germline): Likely benign (0 of 4 stars; one submission).

Conditions:
GDF1-related disorder. Also called: GDF1-related condition.

gnomAD v4.1: 1 of 1,445,728 alleles (0.000069%); highest among the groups gnomAD compares: Non-Finnish European, 0.000092%; no homozygotes.

Submission:

PreventionGenetics, part of Exact Sciences
Classification: Likely benign for GDF1-related condition. Last evaluated: 2024-06-04. Review status: no assertion criteria provided. Collection method: clinical testing. Allele origin: germline.
Comment: This variant is classified as likely benign based on ACMG/AMP sequence variant interpretation guidelines (Richards et al. 2015 PMID: 25741868, with internal and published modifications).

NM_001492.6(GDF1):c.861G>A (p.Ala287=)

Genes: CERS1 (ceramide synthase 1; minus strand), GDF1 (growth differentiation factor 1; minus strand). Cytogenetic location: 19p13.11.
Variant type: single nucleotide variant.
Coding change: c.861G>A on transcript NM_001492.6 (MANE Select); coding-DNA position 861, G replaced by A.
Protein change: p.Ala287=; no amino-acid change (alanine 287 retained).
Molecular consequence: synonymous variant. On other transcripts: 3 prime UTR variant (2).
Genome position (GRCh38, 1-based): chr19:18,868,855, C>T on the plus strand (G>A on the coding strand, the complement: GDF1 is on the minus strand). VCF-style: chr19-18868855-C-T. GRCh37 (hg19) VCF-style: chr19-18979664-C-T.
Other names: c.*1722G>A (NM_001387440.1); c.*1130G>A (NM_021267.5); c.861G>A, p.Ala287= (NM_001387438.1).
Identifiers: ClinVar variation 3355179 (VCV003355179.1).